The following is an entry in ClinVar:

NM_001273.5(CHD4):c.5719C>T (p.Gln1907Ter)

Genes: CHD4 (chromodomain helicase DNA binding protein 4; minus strand), CHD4-AS1 (CHD4 antisense RNA 1; plus strand). Cytogenetic location: 12p13.31.
Variant type: single nucleotide variant.
Coding change: c.5719C>T on transcript NM_001273.5 (MANE Select); coding-DNA position 5719, C replaced by T.
Protein change: p.Gln1907Ter; replaces glutamine 1907 with a stop codon.
Molecular consequence: nonsense.
Genome position (GRCh38, 1-based): chr12:6,570,871, G>A on the plus strand (C>T on the coding strand, the complement: CHD4 is on the minus strand). VCF-style: chr12-6570871-G-A. GRCh37 (hg19) VCF-style: chr12-6680037-G-A.
Other names: c.5698C>T, p.Gln1900Ter (NM_001297553.2); c.5689C>T, p.Gln1897Ter (NM_001363606.2); short protein forms Q1897*, Q1900*, Q1907*.
Identifiers: ClinVar variation 4976605 (VCV004976605.1).

ClinVar aggregate classification (germline): Uncertain significance (1 of 4 stars; one submission).

gnomAD v4.1: 3 of 1,614,172 alleles (0.00019%); highest among the groups gnomAD compares: Non-Finnish European, 0.00025%; no homozygotes.

Submission:

GeneDx
Classification: Uncertain significance. Last evaluated: 2026-02-10. Review status: criteria provided, single submitter. Criteria: GeneDx Variant Classification Process June 2021. Collection method: clinical testing. Allele origin: germline.
Comment: Has not been previously published as pathogenic or benign to our knowledge; Nonsense variant predicted to result in protein truncation as the last 6 amino acid(s) are lost with an unclear effect on protein function